The following is an entry in ClinVar:

ClinVar aggregate classification (germline): Likely pathogenic (1 of 4 stars; one submission).

Conditions:
Polycystic kidney disease 4 (PKD4). Also called: POLYCYSTIC KIDNEY AND HEPATIC DISEASE 1; POLYCYSTIC KIDNEY DISEASE, INFANTILE, TYPE I; POLYCYSTIC KIDNEY DISEASE 4 WITH OR WITHOUT POLYCYSTIC LIVER DISEASE; PKD3; Autosomal Recessive Polycystic Kidney Disease – PKHD1. Identifiers: MedGen C4540575, MONDO:0033004, OMIM 263200.

Submission:

Myriad Genetics, Inc.
Classification: Likely pathogenic for Polycystic kidney disease 4. Last evaluated: 2022-01-25. Review status: criteria provided, single submitter. Criteria: Myriad Women's Health Autosomal Recessive and X-Linked Classification Criteria (2021). Collection method: clinical testing. Allele origin: unknown.
Comment: NM_138694.3(PKHD1):c.5081_5094del14(G1694Afs*22) is expected to be pathogenic in the context of autosomal recessive polycystic kidney disease, PKHD1-related. This variant is predicted to lead to an abnormal or absent protein product due to the creation of a premature termination codon in PKHD1, a gene where loss-of-function variants are known to be pathogenic. Please note: this variant was assessed in the context of healthy population screening.

NM_138694.4(PKHD1):c.5081_5094del (p.Gly1694fs)

Genes: PKHD1 (PKHD1 ciliary IPT domain containing fibrocystin/polyductin; minus strand), LOC126859690 (MED14-independent group 3 enhancer GRCh37_chr6:51888848-51890047; plus strand). Cytogenetic location: 6p12.2.
Variant type: Deletion.
Coding change: c.5081_5094del on transcript NM_138694.4 (MANE Select); coding-DNA positions 5081 to 5094, 14 bases deleted (GTGTCTCTGGTAAC).
Protein change: p.Gly1694fs; shifts the reading frame from glycine 1694.
Molecular consequence: frameshift variant.
Genome position (GRCh38, 1-based): chr6:52,024,716-52,024,729, GTTACCAGAGACAC deleted on the plus strand (GTGTCTCTGGTAAC on the coding strand, the reverse complement: PKHD1 is on the minus strand). VCF-style (leftmost placement, unchanged base first): chr6-52024715-GGTTACCAGAGACAC-G. GRCh37 (hg19) VCF-style: chr6-51889513-GGTTACCAGAGACAC-G.
Other names: c.5081_5094del, p.Gly1694fs (NM_170724.3); short protein forms G1694fs.
Identifiers: ClinVar variation 1724091 (VCV001724091.2), dbSNP rs2532688074, ClinGen allele CA2580075519.